The following is an entry in ClinVar:

ClinVar aggregate classification (germline): Uncertain significance (1 of 4 stars; one submission).

gnomAD v4.1: 3 of 1,613,336 alleles (0.00019%); highest among the groups gnomAD compares: Non-Finnish European, 0.00017%; no homozygotes.

Submission:

GeneDx
Classification: Uncertain significance. Last evaluated: 2025-01-14. Review status: criteria provided, single submitter. Criteria: GeneDx Variant Classification Process June 2021. Collection method: clinical testing. Allele origin: germline. Affected: yes.
Comment: Not observed at significant frequency in large population cohorts (gnomAD); In silico analysis supports that this missense variant has a deleterious effect on protein structure/function; Has not been previously published as pathogenic or benign to our knowledge

NM_000342.4(SLC4A1):c.2609G>T (p.Arg870Leu)

Gene: SLC4A1 (solute carrier family 4 member 1 (Diego blood group); minus strand). Cytogenetic location: 17q21.31.
Variant type: single nucleotide variant.
Coding change: c.2609G>T on transcript NM_000342.4 (MANE Select); coding-DNA position 2609, G replaced by T.
Protein change: p.Arg870Leu; replaces arginine 870 with leucine.
Molecular consequence: missense variant.
Genome position (GRCh38, 1-based): chr17:44,251,205, C>A on the plus strand (G>T on the coding strand, the complement: SLC4A1 is on the minus strand). VCF-style: chr17-44251205-C-A. GRCh37 (hg19) VCF-style: chr17-42328573-C-A.
Other names: short protein forms R870L.
Identifiers: ClinVar variation 4056883 (VCV004056883.1).
Genomic context (GRCh38, chr17:44,251,205, plus strand): 5'-AGGCAGCCACTCACACACTGAAGCTCCACGTTCCTGAAGATGAGCGGCAGCAGGACGCGC[C>A]GCAGCGGCACAGTGAGGATGAGGACGAAGGGCAGGGCCAGGGAGGCCGGCGTGGACTTCA-3'
Protein context (NP_000333.1, residues 860-880): PFVLILTVPL[Arg870Leu]RVLLPLIFRN